The following is an entry in ClinVar:

NM_001111.5(ADAR):c.755C>G (p.Ala252Gly)

Gene: ADAR (adenosine deaminase RNA specific; minus strand). Cytogenetic location: 1q21.3.
Variant type: single nucleotide variant.
Coding change: c.755C>G on transcript NM_001111.5 (MANE Select); coding-DNA position 755, C replaced by G.
Protein change: p.Ala252Gly; replaces alanine 252 with glycine.
Molecular consequence: missense variant. On other transcripts: 5 prime UTR variant (6).
Genome position (GRCh38, 1-based): chr1:154,601,887, G>C on the plus strand (C>G on the coding strand, the complement: ADAR is on the minus strand). VCF-style: chr1-154601887-G-C. GRCh37 (hg19) VCF-style: chr1-154574363-G-C.
Other names: c.-131C>G (NM_001025107.3, NM_001193495.2, NM_001365046.1 and 3 more transcripts); c.782C>G, p.Ala261Gly (NM_001365045.1); c.755C>G, p.Ala252Gly (NM_015840.4, NM_015841.4); short protein forms A261G, A252G.
Identifiers: ClinVar variation 1501015 (VCV001501015.6), dbSNP rs1314331716, ClinGen allele CA342600143.

ClinVar aggregate classification (germline): Uncertain significance (1 of 4 stars; one submission).

Conditions:
Aicardi-Goutieres syndrome 6 (AGS6). Identifiers: Orphanet 51, MedGen C3539013, MONDO:0014007, OMIM 615010.
Symmetrical dyschromatosis of extremities (DSH). Also called: SYMMETRIC DYSCHROMATOSIS OF THE EXTREMITIES; Dyschromatosis symmetrica hereditaria; RETICULATE ACROPIGMENTATION OF DOHI; DYSCHROMATOSIS SYMMETRICA HEREDITARIA 1. Identifiers: Orphanet 41, MedGen C0406775, MONDO:0007483, OMIM 127400.

Allele frequency attached by ClinVar (database versions not stated): gnomAD exomes 0.00001 and below 0.00001; gnomAD 0.00002; TOPMed 0.00002.

Submission:

Labcorp Genetics (formerly Invitae), Labcorp
Classification: Uncertain significance for Aicardi-Goutieres syndrome 6; Symmetrical dyschromatosis of extremities. Last evaluated: 2025-12-25. Review status: criteria provided, single submitter. Criteria: Invitae Variant Classification Sherloc (09022015). Collection method: clinical testing. Allele origin: germline.
Comment: This sequence change replaces alanine, which is neutral and non-polar, with glycine, which is neutral and non-polar, at codon 252 of the ADAR protein (p.Ala252Gly). This variant is present in population databases (no rsID available, gnomAD 0.02%). This variant has not been reported in the literature in individuals affected with ADAR-related conditions. ClinVar contains an entry for this variant (Variation ID: 1501015). Experimental studies and prediction algorithms are not available or were not evaluated, and the functional significance of this variant is currently unknown. In summary, the available evidence is currently insufficient to determine the role of this variant in disease. Therefore, it has been classified as a Variant of Uncertain Significance.